The following is an entry in ClinVar:

NM_001148.6(ANK2):c.5858C>T (p.Thr1953Ile)

Genes: ANK2 (ankyrin 2; plus strand), LOC126807136 (MED14-independent group 3 enhancer GRCh37_chr4:114274931-114276130; plus strand). Cytogenetic location: 4q26.
Variant type: single nucleotide variant.
Coding change: c.5858C>T on transcript NM_001148.6 (MANE Select); coding-DNA position 5858, C replaced by T.
Protein change: p.Thr1953Ile; replaces threonine 1953 with isoleucine.
Molecular consequence: missense variant. On other transcripts: intron variant (68).
Genome position (GRCh38, 1-based): chr4:113,354,476, C>T. VCF-style: chr4-113354476-C-T. GRCh37 (hg19) VCF-style: chr4-114275632-C-T.
Other names: c.5624C>T, p.Thr1875Ile (NM_001386142.1); c.2258C>T, p.Thr753Ile (NM_001386166.1); c.5999C>T, p.Thr2000Ile (NM_001386174.1); c.5975C>T, p.Thr1992Ile (NM_001386175.1); c.4411+4227C>T (NM_001386186.2, NM_001386148.2); c.4213+4227C>T (NM_001354269.3); c.4291+4227C>T (NM_001386187.2); c.4252+4227C>T (NM_001386147.1); and 35 more; short protein forms T1875I, T1953I, T1992I, T2000I, T753I.
Identifiers: ClinVar variation 1059762 (VCV001059762.5), dbSNP rs2154020988, ClinGen allele CA357921488.
Genomic context (GRCh38, chr4:113,354,476, plus strand): 5'-CAGAAAAACGCTTGCCTGTTTCACCCTCCGGAAGAACGGACAAGCACCAACCTGTATCAA[C>T]AGCTGGGAAAACTGAGAAGCACCTGCCTGTGTCACCTTCTGGCAAAACAGAAAAGCAACC-3'
Protein context (NP_001139.3, residues 1943-1963): GRTDKHQPVS[Thr1953Ile]AGKTEKHLPV

ClinVar aggregate classification (germline): Uncertain significance (1 of 4 stars; one submission).

Conditions:
Long QT syndrome (LQTS). Identifiers: MedGen C0023976, MeSH D008133, MONDO:0002442. Disease mechanism: loss of function. Inheritance: Various modes of inheritance.

Submission:

Labcorp Genetics (formerly Invitae), Labcorp
Classification: Uncertain significance for Long QT syndrome. Last evaluated: 2020-03-09. Review status: criteria provided, single submitter. Criteria: Invitae Variant Classification Sherloc (09022015). Collection method: clinical testing. Allele origin: germline.
Comment: In summary, the available evidence is currently insufficient to determine the role of this variant in disease. Therefore, it has been classified as a Variant of Uncertain Significance. Algorithms developed to predict the effect of missense changes on protein structure and function (SIFT, PolyPhen-2, Align-GVGD) all suggest that this variant is likely to be tolerated, but these predictions have not been confirmed by published functional studies and their clinical significance is uncertain. This variant has not been reported in the literature in individuals with ANK2-related conditions. This variant is not present in population databases (ExAC no frequency). This sequence change replaces threonine with isoleucine at codon 1953 of the ANK2 protein (p.Thr1953Ile). The threonine residue is weakly conserved and there is a moderate physicochemical difference between threonine and isoleucine.